The following is an entry in ClinVar:

NM_153033.5(KCTD7):c.430A>G (p.Met144Val)

Gene: KCTD7 (potassium channel tetramerization domain containing 7; plus strand). Cytogenetic location: 7q11.21.
Variant type: single nucleotide variant.
Coding change: c.430A>G on transcript NM_153033.5 (MANE Select); coding-DNA position 430, A replaced by G.
Protein change: p.Met144Val; replaces methionine 144 with valine.
Molecular consequence: missense variant.
Genome position (GRCh38, 1-based): chr7:66,638,368, A>G. VCF-style: chr7-66638368-A-G. GRCh37 (hg19) VCF-style: chr7-66103355-A-G.
Other names: c.430A>G, p.Met144Val (NM_001167961.2); short protein forms M144V.
Identifiers: ClinVar variation 588758 (VCV000588758.5), dbSNP rs749618351, ClinGen allele CA4278256.

ClinVar aggregate classification (germline): Uncertain significance (1 of 4 stars; one submission).

Conditions:
Inborn genetic diseases. Identifiers: MedGen C0950123, MeSH D030342.

Allele frequency attached by ClinVar (database versions not stated): TOPMed 0.00001; gnomAD exomes 0.00002 and 0.00001; ExAC 0.00001; gnomAD 0.00001.

Submission:

Ambry Genetics
Classification: Uncertain significance for Inborn genetic diseases. Last evaluated: 2017-02-07. Review status: criteria provided, single submitter. Criteria: Ambry Variant Classification Scheme 2023. Collection method: clinical testing. Allele origin: germline.
Comment: The p.M144V variant (also known as c.430A>G), located in coding exon 3 of the KCTD7 gene, results from an A to G substitution at nucleotide position 430. The methionine at codon 144 is replaced by valine, an amino acid with highly similar properties. This amino acid position is highly conserved through mammals but not in all available vertebrate species. In addition, this alteration is predicted to be tolerated by in silico analysis. Since supporting evidence is limited at this time, the clinical significance of this variant remains unclear.